The following is an entry in ClinVar:

ClinVar aggregate classification (germline): Uncertain significance (1 of 4 stars; one submission).

Submission:

Labcorp Genetics (formerly Invitae), Labcorp
Classification: Uncertain significance. Last evaluated: 2023-03-10. Review status: criteria provided, single submitter. Criteria: Invitae Variant Classification Sherloc (09022015). Collection method: clinical testing. Allele origin: germline.
Comment: This sequence change replaces histidine, which is basic and polar, with proline, which is neutral and non-polar, at codon 1251 of the IGSF10 protein (p.His1251Pro). This variant is not present in population databases (gnomAD no frequency). This variant has not been reported in the literature in individuals affected with IGSF10-related conditions. Algorithms developed to predict the effect of missense changes on protein structure and function output the following: SIFT: "Not Available"; PolyPhen-2: "Benign"; Align-GVGD: "Not Available". The proline amino acid residue is found in multiple mammalian species, which suggests that this missense change does not adversely affect protein function. In summary, the available evidence is currently insufficient to determine the role of this variant in disease. Therefore, it has been classified as a Variant of Uncertain Significance.

NM_178822.5(IGSF10):c.3752A>C (p.His1251Pro)

Gene: IGSF10 (immunoglobulin superfamily member 10; minus strand). Cytogenetic location: 3q25.1.
Variant type: single nucleotide variant.
Coding change: c.3752A>C on transcript NM_178822.5 (MANE Select); coding-DNA position 3752, A replaced by C.
Protein change: p.His1251Pro; replaces histidine 1251 with proline.
Molecular consequence: missense variant.
Genome position (GRCh38, 1-based): chr3:151,446,229, T>G on the plus strand (A>C on the coding strand, the complement: IGSF10 is on the minus strand). VCF-style: chr3-151446229-T-G. GRCh37 (hg19) VCF-style: chr3-151164017-T-G.
Other names: c.3752A>C, p.His1251Pro (NM_001385060.1, NM_001385061.1, NM_001385062.1 and 1 more transcripts); short protein forms H1251P.
Identifiers: ClinVar variation 2831200 (VCV002831200.3), dbSNP rs1408495999, ClinGen allele CA354997448.